The following is an entry in ClinVar:

NM_000059.4(BRCA2):c.22_23del (p.Arg8fs)

Gene: BRCA2 (BRCA2 DNA repair associated; plus strand). Cytogenetic location: 13q13.1.
Variant type: Microsatellite.
Coding change: c.22_23del on transcript NM_000059.4 (MANE Select); coding-DNA positions 22 to 23, 2 bases deleted (AG; older notation c.22_23delAG).
Protein change: p.Arg8fs; shifts the reading frame from arginine 8.
Molecular consequence: frameshift variant.
Genome position (GRCh38, 1-based): chr13:32,316,482-32,316,483, AG deleted; deleting any 2 consecutive bases within chr13:32,316,478-32,316,483 gives the same sequence; the c. name uses the placement nearest the transcript's 3' end. VCF-style (leftmost placement, unchanged base first): chr13-32316477-AAG-A. GRCh37 (hg19) VCF-style: chr13-32890614-AAG-A.
Other names: 250delAG; c.22_23delAG (NM_000059.3); short protein forms R8fs.
Identifiers: ClinVar variation 51267 (VCV000051267.24), dbSNP rs397507623, ClinGen allele CA014646.

ClinVar aggregate classification (germline): Pathogenic. Review status: reviewed by expert panel (3 of 4 stars). 9 submissions from 9 submitters: Pathogenic (1). 8 of the submissions do not count toward it. Last evaluated 2016-09-08.

Conditions:
Hereditary cancer-predisposing syndrome. Also called: Neoplastic Syndromes, Hereditary; Tumor predisposition; Hereditary Cancer Syndrome; Hereditary neoplastic syndrome. Identifiers: Orphanet 140162, MedGen C0027672, MeSH D009386, MONDO:0015356.
Hereditary breast ovarian cancer syndrome. Also called: Hereditary breast and ovarian cancer syndrome; Hereditary breast and ovarian cancer; Hereditary breast and ovarian cancer syndrome (HBOC); Breast and ovarian cancer; Hereditary breast and/or ovarian cancer syndrome; BRCA1- and BRCA2-Associated Hereditary Breast and Ovarian Cancer. Identifiers: Orphanet 145, MedGen C0677776, MeSH D061325, MONDO:0003582. Disease mechanism: loss of function.
Breast-ovarian cancer, familial, susceptibility to, 2 (BROVCA2). Also called: BRCA2 Hereditary Breast and Ovarian Cancer. Identifiers: Orphanet 145, MedGen C2675520, MONDO:0012933, OMIM 612555. Disease mechanism: loss of function.

Submissions (9):

Evidence-based Network for the Interpretation of Germline Mutant Alleles (ENIGMA)
Classification: Pathogenic for Breast-ovarian cancer, familial, susceptibility to, 2. Last evaluated: 2016-09-08. Review status: reviewed by expert panel. Criteria: ENIGMA BRCA1/2 Classification Criteria (2015). Collection method: curation. Allele origin: germline.
Comment: Variant allele predicted to encode a truncated non-functional protein.

Labcorp Genetics (formerly Invitae), Labcorp
Classification: Pathogenic for Hereditary breast ovarian cancer syndrome. Last evaluated: 2025-05-18. Review status: criteria provided, single submitter. Criteria: Invitae Variant Classification Sherloc (09022015). Collection method: clinical testing. Allele origin: germline. Not counted in ClinVar's aggregate classification.
Comment: This sequence change creates a premature translational stop signal (p.Arg8Alafs*5) in the BRCA2 gene. It is expected to result in an absent or disrupted protein product. Loss-of-function variants in BRCA2 are known to be pathogenic (PMID: 20104584). This variant is not present in population databases (gnomAD no frequency). This premature translational stop signal has been observed in individual(s) with personal or family history of breast and/or ovarian cancer (PMID: 15131399, 22762150, 25330149, 25556971). This variant is also known as c.18_19delAG and 250delAG. For these reasons, this variant has been classified as Pathogenic.

GeneDx
Classification: Pathogenic. Last evaluated: 2025-05-12. Review status: criteria provided, single submitter. Criteria: GeneDx Variant Classification Process June 2021. Collection method: clinical testing. Allele origin: germline. Affected: yes. Not counted in ClinVar's aggregate classification.
Comment: Frameshift variant predicted to result in protein truncation or nonsense mediated decay in a gene for which loss-of-function is a known mechanism of disease; Observed in individuals with a personal or family history consistent with pathogenic variants in this gene (PMID: 15131399, 31815095, 24728189, 25330149); Truncating variants in this gene are considered pathogenic by a well-established clinical consortium and/or database; Not observed at significant frequency in large population cohorts (gnomAD); Also known as c.18_19delAG and 250delAG; This variant is associated with the following publications: (PMID: 34657373, 26295337, 25330149, 15131399, 31815095, 31447099, 22762150, 24728189, 26843898, 38355628)

Ambry Genetics
Classification: Pathogenic for Hereditary cancer-predisposing syndrome. Last evaluated: 2021-06-23. Review status: criteria provided, single submitter. Criteria: Ambry Variant Classification Scheme 2023. Collection method: clinical testing. Allele origin: germline. Not counted in ClinVar's aggregate classification.
Comment: The c.22_23delAG pathogenic mutation, located in coding exon 1 of the BRCA2 gene, results from a deletion of two nucleotides at nucleotide positions 22 to 23, causing a translational frameshift with a predicted alternate stop codon (p.R8Afs*5). This mutation (also designated as 250delAG and c.18_19delAG) has been identified in multiple high-risk breast/ovarian cancer cohorts (Lubinski J et al. Fam Cancer, 2004;3:1-10; Cybulski C et al. Clin Genet, 2015 Oct;88:366-70; Manchana T et al. World J Clin Oncol, 2019 Nov;10:358-368). In addition, alteration is expected to result in loss of function by premature protein truncation or nonsense-mediated mRNA decay. As such, this alteration is interpreted as a disease-causing mutation.

Color Diagnostics, LLC DBA Color Health
Classification: Pathogenic for Hereditary cancer-predisposing syndrome. Last evaluated: 2020-01-15. Review status: criteria provided, single submitter. Criteria: ACMG Guidelines, 2015. Collection method: clinical testing. Allele origin: germline. Not counted in ClinVar's aggregate classification.
Comment: This variant deletes 2 nucleotides in exon 2 of the BRCA2 gene, creating a frameshift and premature translation stop signal. This variant is expected to result in an absent or non-functional protein product. This variant has not been identified in the general population by the Genome Aggregation Database (gnomAD). Loss of BRCA2 function is a known mechanism of disease. Based on the available evidence, this variant is classified as Pathogenic.

Laboratory for Molecular Medicine, Mass General Brigham Personalized Medicine
Classification: Pathogenic for Hereditary breast ovarian cancer syndrome. Last evaluated: 2016-08-05. Review status: criteria provided, single submitter. Criteria: LMM Criteria. Collection method: clinical testing. Allele origin: germline. Inheritance: Autosomal dominant inheritance. Observed: 2 variant alleles. Not counted in ClinVar's aggregate classification.
Comment: The p.Arg8fs variant in BRCA2 has been reported in 1 individual with a BRCA2-ass ociated cancer (Lubinski 2004) and was absent from large population studies, tho ugh the ability of these studies to accurately detect indels may be limited. Thi s variant is predicted to cause a frameshift, which alters the protein?s amino a cid sequence beginning at position 8 and leads to a premature termination codon 5 amino acids downstream. This alteration is then predicted to lead to a truncat ed or absent protein. Heterozygous loss of function of the BRCA2 gene is an esta blished disease mechanism in individuals with hereditary breast and ovarian canc er (HBOC). Furthermore, the p.Arg8fs variant was classified as Pathogenic on Sep tember 8, 2016 by the ClinGen-approved ENIGMA expert panel (ClinVar SCV000300284 .2). In summary, this variant meets our criteria to be classified as pathogenic for HBOC in an autosomal dominant manner based on predicted impact to the protei n and absence from controls.

Quest Diagnostics Nichols Institute San Juan Capistrano
Classification: Pathogenic for Breast-ovarian cancer, familial, susceptibility to, 2. Last evaluated: 2016-04-04. Review status: criteria provided, single submitter. Criteria: Quest Diagnostics criteria. Collection method: clinical testing. Allele origin: germline. Inheritance: Autosomal dominant inheritance. Not counted in ClinVar's aggregate classification.

Consortium of Investigators of Modifiers of BRCA1/2 (CIMBA), c/o University of Cambridge
Classification: Pathogenic for Breast-ovarian cancer, familial, susceptibility to, 2. Last evaluated: 2015-10-02. Review status: criteria provided, single submitter. Criteria: CIMBA Mutation Classification guidelines May 2016. Collection method: clinical testing. Allele origin: germline. Not counted in ClinVar's aggregate classification.

Sharing Clinical Reports Project (SCRP)
Classification: Pathogenic for Breast-ovarian cancer, familial 2. Last evaluated: 2011-12-15. Review status: no assertion criteria provided. Collection method: clinical testing. Allele origin: germline. Not counted in ClinVar's aggregate classification.

Literature cited by the submitters: PubMed 20104584 (cited by Labcorp Genetics (formerly Invitae), Labcorp); PubMed 15131399 (cited by 4 submitters); PubMed 22762150 (cited by Labcorp Genetics (formerly Invitae), Labcorp); PubMed 25330149 (cited by Labcorp Genetics (formerly Invitae), Labcorp and Ambry Genetics); PubMed 25556971 (cited by Labcorp Genetics (formerly Invitae), Labcorp); PubMed 31815095 (cited by Ambry Genetics); PubMed 26843898 (cited by Quest Diagnostics Nichols Institute San Juan Capistrano); PubMed 24728189 (cited by Quest Diagnostics Nichols Institute San Juan Capistrano); PubMed 26295337 (cited by Quest Diagnostics Nichols Institute San Juan Capistrano).